The following is an entry in ClinVar:

NM_006231.4(POLE):c.1337G>A (p.Arg446Gln)

Gene: POLE (DNA polymerase epsilon, catalytic subunit; minus strand). Cytogenetic location: 12q24.33.
Variant type: single nucleotide variant.
Coding change: c.1337G>A on transcript NM_006231.4 (MANE Select); coding-DNA position 1337, G replaced by A.
Protein change: p.Arg446Gln; replaces arginine 446 with glutamine.
Molecular consequence: missense variant.
Genome position (GRCh38, 1-based): chr12:132,673,597, C>T on the plus strand (G>A on the coding strand, the complement: POLE is on the minus strand). VCF-style: chr12-132673597-C-T. GRCh37 (hg19) VCF-style: chr12-133250183-C-T.
Other names: short protein forms R446Q.
Identifiers: ClinVar variation 221066 (VCV000221066.52), dbSNP rs151273553, ClinGen allele CA349974.
Genomic context (GRCh38, chr12:132,673,597, plus strand): 5'-ACACGGCAGCAGGGGCAGCCGGGATGTGGCTTACGTGCCTGGGGCTGCTCCGTGGCCATC[C>T]GGCACATGTCCTCCGGGTCTAGCTCCACGGGATCATAGCCTAGCTTGGCCTTGGCGGCCG-3'
Protein context (NP_006222.2, residues 436-456): PVELDPEDMC[Arg446Gln]MATEQPQTLA

ClinVar aggregate classification (germline): Conflicting classifications of pathogenicity. Review status: criteria provided, conflicting classifications (1 of 4 stars). 17 submissions from 17 submitters: Uncertain significance (4); Benign (1); Likely benign (9). 3 of the submissions do not count toward it. Last evaluated 2026-01-31.

Conditions:
POLD1-related polyposis and colorectal cancer syndrome (CRCS10). Also called: Colorectal cancer 10; COLORECTAL CANCER, SUSCEPTIBILITY TO, ON CHROMOSOME 19q; Colorectal cancer, susceptibility to, 10. Identifiers: Orphanet 220460, MedGen C2675481, MONDO:0012953, OMIM 612591.
Colorectal cancer, susceptibility to, 12 (CRCS12). Also called: COLORECTAL CANCER, SUSCEPTIBILITY TO, ON CHROMOSOME 12q24. Identifiers: Orphanet 220460, MedGen C3554460, MONDO:0014038, OMIM 615083.
POLE-related disorder. Also called: POLE-related condition; POLE-related disorders.
Hereditary cancer-predisposing syndrome. Also called: Tumor predisposition; Hereditary Cancer Syndrome; Neoplastic Syndromes, Hereditary; Hereditary neoplastic syndrome. Identifiers: Orphanet 140162, MedGen C0027672, MeSH D009386, MONDO:0015356.
Familial colorectal cancer. Identifiers: MedGen CN280943, MONDO:0023113. Disease mechanism: loss of function.

Allele frequency attached by ClinVar (database versions not stated): ExAC 0.00026; gnomAD exomes 0.00028; TOPMed 0.00032; gnomAD 0.00044 and 0.00046; ESP Exome Variant Server 0.00054.
gnomAD v4.1: 621 of 1,613,180 alleles (0.038%); highest among the groups gnomAD compares: Non-Finnish European, 0.049%; no homozygotes.

Submissions (17):

Labcorp Genetics (formerly Invitae), Labcorp
Classification: Likely benign. Last evaluated: 2026-01-31. Review status: criteria provided, single submitter. Criteria: Invitae Variant Classification Sherloc (09022015). Collection method: clinical testing. Allele origin: germline.

Center for Genomic Medicine, Rigshospitalet, Copenhagen University Hospital
Classification: Benign. Last evaluated: 2025-12-29. Review status: criteria provided, single submitter. Criteria: ACMG Guidelines, 2015. Collection method: clinical testing. Allele origin: germline.
Comment: Classification criteria: BA1

Quest Diagnostics Nichols Institute San Juan Capistrano
Classification: Likely benign. Last evaluated: 2025-10-16. Review status: criteria provided, single submitter. Criteria: Quest Diagnostics criteria. Collection method: clinical testing. Allele origin: unknown.

PreventionGenetics, part of Exact Sciences
Classification: Likely benign for POLE-related condition. Last evaluated: 2025-09-08. Review status: criteria provided, single submitter. Criteria: ACMG Guidelines, 2015. Collection method: clinical testing. Allele origin: germline.
Comment: This variant is classified as likely benign based on ACMG/AMP sequence variant interpretation guidelines (Richards et al. 2015 PMID: 25741868, with internal and published modifications).

Mendelics
Classification: Likely benign for Familial colorectal cancer. Last evaluated: 2025-06-23. Review status: criteria provided, single submitter. Criteria: ACMG Guidelines, 2015. Collection method: clinical testing. Allele origin: unknown.
Comment: This variant is considered likely benign or benign based on one or more of the following: it is predicted to be benign by multiple in silico algorithms, and/or has population frequency not consistent with disease, and/or has normal protein function, and/or has lack of segregation with disease, and/or has been detected in co-occurrence with known pathogenic variant, and/or has lack of disease association in case-control studies, and/or is located in a region inconsistent with a known cause of pathogenicity.

Myriad Genetics, Inc.
Classification: Likely benign for Colorectal cancer, susceptibility to, 12. Last evaluated: 2025-02-07. Review status: criteria provided, single submitter. Criteria: Myriad Autosomal Dominant, Autosomal Recessive and X-Linked Classification Criteria (2023). Collection method: clinical testing. Allele origin: unknown.
Comment: This variant is considered likely benign. This variant has been observed at a population frequency that is significantly greater than expected given the associated disease prevalence and penetrance.

Blueprint Genetics
Classification: Uncertain significance. Last evaluated: 2024-10-25. Review status: criteria provided, single submitter. Criteria: ACMG Guidelines, 2015. Collection method: clinical testing. Allele origin: germline.

ARUP Laboratories, Molecular Genetics and Genomics, ARUP Laboratories
Classification: Uncertain significance. Last evaluated: 2024-10-01. Review status: criteria provided, single submitter. Criteria: ARUP Molecular Germline Variant Investigation Process 2024. Collection method: clinical testing. Allele origin: germline.
Comment: The POLE c.1337G>A; p.Arg446Gln variant (rs151273553) is reported in the literature in individuals affected with breast, colorectal, or endometrial cancer, although it was not demonstrated to be disease-causing (Church 2013, Guindalini 2022, Spier 2015). This variant is found in the non-Finnish European population with an allele frequency of 0.05% (69/129,000 alleles) in the Genome Aggregation Database (v2.1.1). Computational analyses are uncertain whether this variant is neutral or deleterious (REVEL: 0.379). Due to limited information, the clinical significance of this variant is uncertain at this time. References: Church DN et al. DNA polymerase epsilon and delta exonuclease domain mutations in endometrial cancer. Hum Mol Genet. 2013 Jul 15;22(14):2820-8. PMID: 23528559. Guindalini RSC et al. Detection of germline variants in Brazilian breast cancer patients using multigene panel testing. Sci Rep. 2022 Mar 9;12(1):4190. PMID: 35264596. Spier I et al. Frequency and phenotypic spectrum of germline mutations in POLE and seven other polymerase genes in 266 patients with colorectal adenomas and carcinomas. Int J Cancer. 2015 Jul 15;137(2):320-31. PMID: 25529843.

Molecular Pathology, Peter Maccallum Cancer Centre
Classification: Likely benign for POLD1-related polyposis and colorectal cancer syndrome. Last evaluated: 2024-04-09. Review status: criteria provided, single submitter. Criteria: ACMG Guidelines, 2015. Collection method: clinical testing. Allele origin: germline. Inheritance: Autosomal dominant inheritance.

St. Jude Molecular Pathology, St. Jude Children's Research Hospital
Classification: Uncertain significance for Colorectal cancer, susceptibility to, 12. Last evaluated: 2024-03-29. Review status: criteria provided, single submitter. Criteria: St. Jude Assertion Criteria 2020. Collection method: clinical testing. Allele origin: germline.

Mayo Clinic Laboratories, Mayo Clinic
Classification: Uncertain significance. Last evaluated: 2023-08-23. Review status: criteria provided, single submitter. Criteria: ACMG Guidelines, 2015. Collection method: clinical testing. Allele origin: germline. Observed: 7 variant alleles.

Ambry Genetics
Classification: Likely benign for Hereditary cancer-predisposing syndrome. Last evaluated: 2021-08-17. Review status: criteria provided, single submitter. Criteria: Ambry Variant Classification Scheme 2023. Collection method: clinical testing. Allele origin: germline.

Sema4
Classification: Likely benign for Hereditary cancer-predisposing syndrome. Last evaluated: 2021-07-07. Review status: criteria provided, single submitter. Criteria: Sema4 Curation Guidelines. Collection method: curation. Allele origin: germline.

GeneDx
Classification: Likely benign. Last evaluated: 2021-05-30. Review status: criteria provided, single submitter. Criteria: GeneDx Variant Classification Process June 2021. Collection method: clinical testing. Allele origin: germline. Affected: yes.
Comment: In silico analysis supports that this missense variant has a deleterious effect on protein structure/function; Observed in individuals with adenomatous polyposis, endometrial cancer, or malignant melanoma (Church 2013, Spier 2014, Aoude 2015); This variant is associated with the following publications: (PMID: 25583476, 25986922, 26251183, 25529843, 23528559, 24844595, 28188185, 29056344, 22960745, 31320401, 31034466)

Genetic Services Laboratory, University of Chicago
Classification: Uncertain significance. Last evaluated: 2022-11-07. Review status: no assertion criteria provided. Collection method: clinical testing. Allele origin: germline. Affected: no. Not counted in ClinVar's aggregate classification.
Comment: DNA sequence analysis of the POLE gene demonstrated a sequence change, c.1337G>A, in exon 13 that results in an amino acid change, p.Arg446Gln. This sequence change has been previously described in one individual with sporadic classical polyposis (PMID: 25529843). This sequence change has been described in the gnomAD database with a frequency of 0.028% in the overall subpopulation (dbSNP rs151273553). The p.Arg446Gln change affects a highly conserved amino acid residue located in a domain of the POLE protein that is known to be functional. In-silico pathogenicity prediction tools (SIFT, PolyPhen2, Align GVGD, REVEL) provide contradictory results for the p.Arg446Gln substitution. Due to insufficient evidences and the lack of functional studies, the clinical significance of the p.Arg446Gln change remains unknown at this time.

Counsyl
Classification: Uncertain significance for Colorectal cancer, susceptibility to, 12. Last evaluated: 2016-08-12. Review status: no assertion criteria provided. Collection method: clinical testing. Allele origin: unknown. Not counted in ClinVar's aggregate classification.

Department of Pathology and Laboratory Medicine, Sinai Health System
Classification: Uncertain significance. Review status: no assertion criteria provided. Collection method: clinical testing. Allele origin: unknown. Affected: yes. Study: The Canadian Open Genetics Repository (COGR). Not counted in ClinVar's aggregate classification.
Comment: The POLE p.R446Q variant was reported in the literature in individuals with colorectal cancer, colorectal adenomatous polyposis, endometrial cancer, or cutaneous malignant melanoma (Church_2013_PMID:23528559; Spier_2015_PMID:25529843; Aoude_2015_ PMID:26251183; Choi_2019_PMID:31320401). The variant was identified in dbSNP (ID: rs151273553), ClinVar (classified as uncertain significance by Counsyl, Quest Diagnostics, PreventionGenetics, Mendelics, Ambry Genetics, and GeneDx, and as likely benign by Invitae) and Cosmic. The variant was identified in control databases in 72 of 267402 chromosomes at a frequency of 0.0002693 (Genome Aggregation Database March 6, 2019, v2.1.1, non-cancer). The variant was observed in the following populations: European (non-Finnish) in 63 of 118046 chromosomes (freq: 0.000534), African in 4 of 23594 chromosomes (freq: 0.00017), European (Finnish) in 3 of 24348 chromosomes (freq: 0.000123) and Latino in 2 of 35088 chromosomes (freq: 0.000057), but was not observed in the Ashkenazi Jewish, East Asian, Other, or South Asian populations. The p.R446 residue is conserved in mammals and computational analyses (PolyPhen-2, SIFT, AlignGVGD, BLOSUM, MutationTaster) provide inconsistent predictions regarding the impact to the protein; this information is not very predictive of pathogenicity. Structural analysis reveals that this variant is distant from both exonuclease and polymerase active sites (Church_2013_PMID:23528559). The variant occurs outside of the splicing consensus sequence and in silico or computational prediction software programs (SpliceSiteFinder, MaxEntScan, NNSPLICE, GeneSplicer) do not predict a difference in splicing. In summary, based on the above information the clinical significance of this variant cannot be determined with certainty at this time. This variant is classified as a variant of uncertain significance.

Literature cited by the submitters: PubMed 37848928 (cited by Center for Genomic Medicine, Rigshospitalet, Copenhagen University Hospital); PubMed 25529843 (cited by 5 submitters); PubMed 26251183 (cited by 4 submitters); PubMed 29056344 (cited by Center for Genomic Medicine, Rigshospitalet, Copenhagen University Hospital and Quest Diagnostics Nichols Institute San Juan Capistrano); PubMed 30267214 (cited by Quest Diagnostics Nichols Institute San Juan Capistrano and Ambry Genetics); PubMed 35264596 (cited by Quest Diagnostics Nichols Institute San Juan Capistrano); PubMed 28188185 (cited by Quest Diagnostics Nichols Institute San Juan Capistrano); PubMed 25583476 (cited by Quest Diagnostics Nichols Institute San Juan Capistrano and Ambry Genetics); PubMed 23528559 (cited by 3 submitters); PubMed 24844595 (cited by Quest Diagnostics Nichols Institute San Juan Capistrano and Ambry Genetics); PubMed 22960745 (cited by Ambry Genetics).